The following is an entry in ClinVar:

NM_000254.3(MTR):c.3599-10C>A

Gene: MTR (5-methyltetrahydrofolate-homocysteine methyltransferase; plus strand). Cytogenetic location: 1q43.
Variant type: single nucleotide variant.
Coding change: c.3599-10C>A on transcript NM_000254.3 (MANE Select); 10 bases into the intron before coding-DNA position 3599, C replaced by A.
Molecular consequence: intron variant.
Genome position (GRCh38, 1-based): chr1:236,896,996, C>A. VCF-style: chr1-236896996-C-A. GRCh37 (hg19) VCF-style: chr1-237060296-C-A.
Other names: c.3446-10C>A (NM_001291939.1); c.2378-10C>A (NM_001291940.2).
Identifiers: ClinVar variation 296583 (VCV000296583.25), dbSNP rs41530146, ClinGen allele CA1474753.

ClinVar aggregate classification (germline): Benign. Review status: criteria provided, multiple submitters, no conflicts (2 of 4 stars). 5 submissions from 5 submitters: Benign (5). Last evaluated 2026-02-02.

Conditions:
Disorders of Intracellular Cobalamin Metabolism. Identifiers: MedGen CN043592.
Methylcobalamin deficiency type cblG (HMAG). Also called: Functional methionine synthase deficiency type cblG; HOMOCYSTINURIA-MEGALOBLASTIC ANEMIA DUE TO DEFECT IN COBALAMIN METABOLISM, cblG COMPLEMENTATION TYPE; HOMOCYSTINURIA-MEGALOBLASTIC ANEMIA, cblG COMPLEMENTATION TYPE; HOMOCYSTINURIA-MEGALOBLASTIC ANEMIA, cblG TYPE. Identifiers: Orphanet 2170, Orphanet 622, MedGen C1855128, MONDO:0009609, OMIM 250940.

Allele frequency attached by ClinVar (database versions not stated): ExAC 0.00548; gnomAD 0.01080; 1000 Genomes Project 0.01138; 1000 Genomes Project 30x 0.01249; TOPMed 0.01344; ESP Exome Variant Server 0.01461.
gnomAD v4.1: 5,703 of 1,601,734 alleles (0.36%); highest among the groups gnomAD compares: Middle Eastern, 3.6%; 93 homozygotes.

Submissions (19):

Labcorp Genetics (formerly Invitae), Labcorp
Classification: Benign for Methylcobalamin deficiency type cblG. Last evaluated: 2026-02-02. Review status: criteria provided, single submitter. Criteria: Invitae Variant Classification Sherloc (09022015). Collection method: clinical testing. Allele origin: germline.

ARUP Laboratories, Molecular Genetics and Genomics, ARUP Laboratories
Classification: Benign. Last evaluated: 2021-09-08. Review status: criteria provided, single submitter. Criteria: ARUP Molecular Germline Variant Investigation Process 2021. Collection method: clinical testing. Allele origin: germline.

Illumina Laboratory Services, Illumina
Classification: Benign for Disorders of Intracellular Cobalamin Metabolism. Last evaluated: 2018-01-12. Review status: criteria provided, single submitter. Criteria: ICSL Variant Classification Criteria 13 December 2019. Collection method: clinical testing. Allele origin: germline.
Comment: This variant was observed in the ICSL laboratory as part of a predisposition screen in an ostensibly healthy population. It had not been previously curated by ICSL or reported in the Human Gene Mutation Database (HGMD: prior to June 1st, 2018), and was therefore a candidate for classification through an automated scoring system. Utilizing variant allele frequency, disease prevalence and penetrance estimates, and inheritance mode, an automated score was calculated to assess if this variant is too frequent to cause the disease. Based on the score and internal cut-off values, a variant classified as benign is not then subjected to further curation. The score for this variant resulted in a classification of benign for this disease.

GeneDx
Classification: Benign. Last evaluated: 2015-07-17. Review status: criteria provided, single submitter. Criteria: GeneDx Variant Classification (06012015). Collection method: clinical testing. Allele origin: germline. Affected: yes.
Comment: This variant is considered likely benign or benign based on one or more of the following criteria: it is a conservative change, it occurs at a poorly conserved position in the protein, it is predicted to be benign by multiple in silico algorithms, and/or has population frequency not consistent with disease.

Breakthrough Genomics
Classification: Benign. Review status: criteria provided, single submitter. Criteria: ACMG Guidelines, 2015. Collection method: not provided. Allele origin: germline. Inheritance: Autosomal recessive inheritance. Affected: yes.

Dr. Peter K. Rogan Lab, Western University
No classification provided (evidence only). Condition: Lung cancer. Review status: no classification provided. Collection method: in vitro. Allele origin: not applicable. Functional consequence: skipped exon, retained intron. Not counted in ClinVar's aggregate classification.

Dr. Peter K. Rogan Lab, Western University
No classification provided (evidence only). Condition: Acute myeloid leukemia. Review status: no classification provided. Collection method: in vitro. Allele origin: not applicable. Functional consequence: skipped exon, retained intron. Not counted in ClinVar's aggregate classification.

Dr. Peter K. Rogan Lab, Western University
No classification provided (evidence only). Condition: Uterine corpus endometrial carcinoma. Review status: no classification provided. Collection method: in vitro. Allele origin: not applicable. Functional consequence: retained intron. Not counted in ClinVar's aggregate classification.

Dr. Peter K. Rogan Lab, Western University
No classification provided (evidence only). Condition: Uterine corpus endometrial carcinoma. Review status: no classification provided. Collection method: in vitro. Allele origin: not applicable. Functional consequence: retained intron. Not counted in ClinVar's aggregate classification.

Dr. Peter K. Rogan Lab, Western University
No classification provided (evidence only). Condition: Cervical cancer. Review status: no classification provided. Collection method: in vitro. Allele origin: not applicable. Functional consequence: retained intron. Not counted in ClinVar's aggregate classification.

Dr. Peter K. Rogan Lab, Western University
No classification provided (evidence only). Condition: Cervical cancer. Review status: no classification provided. Collection method: in vitro. Allele origin: not applicable. Functional consequence: skipped exon, retained intron. Not counted in ClinVar's aggregate classification.

Dr. Peter K. Rogan Lab, Western University
No classification provided (evidence only). Condition: Sarcoma. Review status: no classification provided. Collection method: in vitro. Allele origin: not applicable. Functional consequence: retained intron. Not counted in ClinVar's aggregate classification.

Dr. Peter K. Rogan Lab, Western University
No classification provided (evidence only). Condition: Sarcoma. Review status: no classification provided. Collection method: in vitro. Allele origin: not applicable. Functional consequence: skipped exon, retained intron. Not counted in ClinVar's aggregate classification.

Dr. Peter K. Rogan Lab, Western University
No classification provided (evidence only). Condition: Ovarian serous cystadenocarcinoma. Review status: no classification provided. Collection method: in vitro. Allele origin: not applicable. Functional consequence: retained intron. Not counted in ClinVar's aggregate classification.

Dr. Peter K. Rogan Lab, Western University
No classification provided (evidence only). Condition: Gastric cancer. Review status: no classification provided. Collection method: in vitro. Allele origin: not applicable. Functional consequence: retained intron. Not counted in ClinVar's aggregate classification.

Dr. Peter K. Rogan Lab, Western University
No classification provided (evidence only). Condition: Gastric cancer. Review status: no classification provided. Collection method: in vitro. Allele origin: not applicable. Functional consequence: retained intron. Not counted in ClinVar's aggregate classification.

Dr. Peter K. Rogan Lab, Western University
No classification provided (evidence only). Condition: Chronic lymphocytic leukemia/small lymphocytic lymphoma. Review status: no classification provided. Collection method: in vitro. Allele origin: not applicable. Functional consequence: retained intron. Not counted in ClinVar's aggregate classification.

Dr. Peter K. Rogan Lab, Western University
No classification provided (evidence only). Condition: Familial pancreatic carcinoma. Review status: no classification provided. Collection method: in vitro. Allele origin: not applicable. Functional consequence: retained intron. Not counted in ClinVar's aggregate classification.

Dr. Peter K. Rogan Lab, Western University
No classification provided (evidence only). Condition: Ovarian cancer. Review status: no classification provided. Collection method: in vitro. Allele origin: not applicable. Functional consequence: skipped exon, retained intron. Not counted in ClinVar's aggregate classification.